The following is an entry in ClinVar:

ClinVar aggregate classification (germline): Uncertain significance (1 of 4 stars; one submission).

Conditions:
Glycogen storage disease, type II (IOPD). Also called: GLYCOGENOSIS, GENERALIZED, CARDIAC FORM; GSD II; Glucosidase acid-1,4-alpha deficiency; Pompe Disease; POMPE DISEASE, INFANTILE-ONSET; GLYCOGEN STORAGE DISEASE II, INFANTILE-ONSET. Identifiers: Orphanet 365, MedGen C0017921, MONDO:0009290, OMIM 232300.

Submission:

Labcorp Genetics (formerly Invitae), Labcorp
Classification: Uncertain significance for Glycogen storage disease, type II. Last evaluated: 2021-04-10. Review status: criteria provided, single submitter. Criteria: Invitae Variant Classification Sherloc (09022015). Collection method: clinical testing. Allele origin: germline.
Comment: In summary, the available evidence is currently insufficient to determine the role of this variant in disease. Therefore, it has been classified as a Variant of Uncertain Significance. Advanced modeling of protein sequence and biophysical properties (such as structural, functional, and spatial information, amino acid conservation, physicochemical variation, residue mobility, and thermodynamic stability) performed at Invitae indicates that this missense variant is expected to disrupt GAA protein function. This variant has not been reported in the literature in individuals with GAA-related conditions. This variant is not present in population databases (ExAC no frequency). This sequence change replaces methionine with isoleucine at codon 391 of the GAA protein (p.Met391Ile). The methionine residue is highly conserved and there is a small physicochemical difference between methionine and isoleucine.

NM_000152.5(GAA):c.1173G>A (p.Met391Ile)

Gene: GAA (alpha glucosidase; plus strand). Cytogenetic location: 17q25.3.
Variant type: single nucleotide variant.
Coding change: c.1173G>A on transcript NM_000152.5 (MANE Select); coding-DNA position 1173, G replaced by A.
Protein change: p.Met391Ile; replaces methionine 391 with isoleucine.
Molecular consequence: missense variant.
Genome position (GRCh38, 1-based): chr17:80,108,586, G>A. VCF-style: chr17-80108586-G-A. GRCh37 (hg19) VCF-style: chr17-78082385-G-A.
Other names: c.1173G>A, p.Met391Ile (NM_001079803.3, NM_001079804.3); short protein forms M391I.
Identifiers: ClinVar variation 1496487 (VCV001496487.8), dbSNP rs2143855905, ClinGen allele CA401365099.
Genomic context (GRCh38, chr17:80,108,586, plus strand): 5'-CCACCTGTGCCGCTGGGGCTACTCCTCCACCGCTATCACCCGCCAGGTGGTGGAGAACAT[G>A]ACCAGGGCCCACTTCCCCCTGGTGAGTTGGGGTGGTGGCAGGGGAGGCAAGGGGCTGGCC-3'
Protein context (NP_000143.2, residues 381-401): TAITRQVVEN[Met391Ile]TRAHFPLDVQ